The following is an entry in ClinVar:

ClinVar aggregate classification (germline): Benign (1 of 4 stars; one submission).

Conditions:
Bartter disease type 2. Also called: HYPERPROSTAGLANDIN E SYNDROME 2; Bartter syndrome, type 2, antenatal; HYPOKALEMIC ALKALOSIS WITH HYPERCALCIURIA 2, ANTENATAL. Identifiers: Orphanet 112, Orphanet 620220, MedGen C1855849, MONDO:0009424, OMIM 241200.

Allele frequency attached by ClinVar (database versions not stated): gnomAD 0.00002 and 0.00072; TOPMed 0.00014; gnomAD exomes 0.00203; 1000 Genomes Project 30x 0.00531; 1000 Genomes Project 0.00599.
gnomAD v4.1: 304 of 252,642 alleles (0.12%); highest among the groups gnomAD compares: South Asian, 1.7%; 6 homozygotes.

Submission:

Illumina Laboratory Services, Illumina
Classification: Benign for Bartter disease type 2. Last evaluated: 2018-01-12. Review status: criteria provided, single submitter. Criteria: ICSL Variant Classification Criteria 13 December 2019. Collection method: clinical testing. Allele origin: germline.
Comment: This variant was observed in the ICSL laboratory as part of a predisposition screen in an ostensibly healthy population. It had not been previously curated by ICSL or reported in the Human Gene Mutation Database (HGMD: prior to June 1st, 2018), and was therefore a candidate for classification through an automated scoring system. Utilizing variant allele frequency, disease prevalence and penetrance estimates, and inheritance mode, an automated score was calculated to assess if this variant is too frequent to cause the disease. Based on the score and internal cut-off values, a variant classified as benign is not then subjected to further curation. The score for this variant resulted in a classification of benign for this disease.

NM_153766.3(KCNJ1):c.*348C>T

Gene: KCNJ1 (potassium inwardly rectifying channel subfamily J member 1; minus strand). Cytogenetic location: 11q24.3.
Variant type: single nucleotide variant.
Coding change: c.*348C>T on transcript NM_153766.3 (MANE Select); 348 bases downstream of the stop codon, C replaced by T.
Molecular consequence: 3 prime UTR variant.
Genome position (GRCh38, 1-based): chr11:128,838,777, G>A on the plus strand (C>T on the coding strand, the complement: KCNJ1 is on the minus strand). VCF-style: chr11-128838777-G-A. GRCh37 (hg19) VCF-style: chr11-128708672-G-A.
Other names: c.*348C>T (NM_000220.6, NM_153764.3, NM_153765.3 and 1 more transcripts).
Identifiers: ClinVar variation 303564 (VCV000303564.5), dbSNP rs368293891, ClinGen allele CA10630375.